The following is an entry in ClinVar:

ClinVar aggregate classification (germline): Uncertain significance (1 of 4 stars; one submission).

Submission:

Labcorp Genetics (formerly Invitae), Labcorp
Classification: Uncertain significance. Last evaluated: 2023-02-14. Review status: criteria provided, single submitter. Criteria: Invitae Variant Classification Sherloc (09022015). Collection method: clinical testing. Allele origin: germline.
Comment: This sequence change falls in intron 45 of the CACNA1D gene. It does not directly change the encoded amino acid sequence of the CACNA1D protein. It affects a nucleotide within the consensus splice site. This variant is not present in population databases (gnomAD no frequency). This variant has been observed in individual(s) with clinical features of CACNA1D-related conditions (Invitae). Variants that disrupt the consensus splice site are a relatively common cause of aberrant splicing (PMID: 17576681, 9536098). Algorithms developed to predict the effect of sequence changes on RNA splicing suggest that this variant is not likely to affect RNA splicing. In summary, the available evidence is currently insufficient to determine the role of this variant in disease. Therefore, it has been classified as a Variant of Uncertain Significance.

Literature cited by the submitters: PubMed 17576681; PubMed 9536098.

NM_001128840.3(CACNA1D):c.5585+6C>A

Gene: CACNA1D (calcium voltage-gated channel subunit alpha1 D; plus strand). Cytogenetic location: 3p21.1.
Variant type: single nucleotide variant.
Coding change: c.5585+6C>A on transcript NM_001128840.3 (MANE Select); 6 bases into the intron after coding-DNA position 5585, C replaced by A.
Molecular consequence: intron variant.
Genome position (GRCh38, 1-based): chr3:53,803,578, C>A. VCF-style: chr3-53803578-C-A. GRCh37 (hg19) VCF-style: chr3-53837605-C-A.
Other names: c.5513+6C>A (NM_001128839.3); c.5645+6C>A (NM_000720.4).
Identifiers: ClinVar variation 1962905 (VCV001962905.5), dbSNP rs2474493804, ClinGen allele CA2580070284.